The following is an entry in ClinVar:

ClinVar aggregate classification (germline): Likely pathogenic (1 of 4 stars; one submission).

Submission:

GeneDx
Classification: Likely pathogenic. Last evaluated: 2017-02-03. Review status: criteria provided, single submitter. Criteria: GeneDx Variant Classification (06012015). Collection method: clinical testing. Allele origin: germline. Affected: yes.
Comment: The H206R variant in the RPS6KA3 gene has not been reported previously as a pathogenic variant, nor as a benign variant, to our knowledge. The H206R variant was not observed in approximately 6,400 individuals of European and African American ancestry in the NHLBI Exome Sequencing Project, indicating it is not a common benign variant in these populations. The H206R variant is a conservative amino acid substitution, which is not likely to impact secondary protein structure as these residues share similar properties. This substitution occurs at a position that is conserved across species. In silico analysis predicts this variant is probably damaging to the protein structure/function. Therefore, we interpret H206R as a likely pathogenic variant.

NM_004586.3(RPS6KA3):c.617A>G (p.His206Arg)

Gene: RPS6KA3 (ribosomal protein S6 kinase A3; minus strand). Cytogenetic location: Xp22.12.
Variant type: single nucleotide variant.
Coding change: c.617A>G on transcript NM_004586.3 (MANE Select); coding-DNA position 617, A replaced by G.
Protein change: p.His206Arg; replaces histidine 206 with arginine.
Molecular consequence: missense variant.
Genome position (GRCh38, 1-based): chrX:20,188,511, T>C on the plus strand (A>G on the coding strand, the complement: RPS6KA3 is on the minus strand). VCF-style: chrX-20188511-T-C. GRCh37 (hg19) VCF-style: chrX-20206629-T-C.
Other names: short protein forms H206R.
Identifiers: ClinVar variation 390661 (VCV000390661.2), dbSNP rs1057523854, ClinGen allele CA16608808.
Genomic context (GRCh38, chrX:20,188,511, plus strand): 5'-TATTGTAGGAGAAAATATTTTAATAAAACGAGGATTTTTTTTTTACCTGTTAACTTGATG[T>C]GACCTTCTTCATCAAGAAGTATACTGAAAAAAACAAAGAAAATCTTTTAAGAACACTAAA-3'
Protein context (NP_004577.1, residues 196-216): PENILLDEEG[His206Arg]IKLTDFGLSK